The following is an entry in ClinVar:

NM_001244008.2(KIF1A):c.748G>T (p.Ala250Ser)

Gene: KIF1A (kinesin family member 1A; minus strand). Cytogenetic location: 2q37.3.
Variant type: single nucleotide variant.
Coding change: c.748G>T on transcript NM_001244008.2 (MANE Select); coding-DNA position 748, G replaced by T.
Protein change: p.Ala250Ser; replaces alanine 250 with serine.
Molecular consequence: missense variant.
Genome position (GRCh38, 1-based): chr2:240,783,789, C>A on the plus strand (G>T on the coding strand, the complement: KIF1A is on the minus strand). VCF-style: chr2-240783789-C-A. GRCh37 (hg19) VCF-style: chr2-241723206-C-A.
Other names: c.748G>T, p.Ala250Ser (NM_001320705.2, NM_001330289.2, NM_001330290.2 and 20 more transcripts); short protein forms A250S.
Identifiers: ClinVar variation 1023002 (VCV001023002.13), dbSNP rs2054374864, ClinGen allele CA351303231.
Genomic context (GRCh38, chr2:240,783,789, plus strand): 5'-TGGCCCCTACCTTGAGGCGCGTGCCCTTGGCTCCCGTGGAGTCAGCCCGCTCGCTCCCAG[C>A]CAGGTCCACCAGGCTGATTTTGCTCACCTGAAACAGTAGATACATCACATGCAGGAAAGG-3'
Protein context (NP_001230937.1, residues 240-260): KVSKISLVDL[Ala250Ser]GSERADSTGA

ClinVar aggregate classification (germline): Conflicting classifications of pathogenicity. Review status: criteria provided, conflicting classifications (1 of 4 stars). 2 submissions from 2 submitters: Likely pathogenic (1); Uncertain significance (1). Last evaluated 2022-03-08.

Conditions:
Hereditary spastic paraplegia 30. Identifiers: Orphanet 101010, MedGen C5235139, MONDO:0012476.
Neuropathy, hereditary sensory, type 2C. Also called: Hereditary sensory and autonomic neuropathy type IIC; KIF1A-Related HSAN2 (HSAN2C). Identifiers: Orphanet 970, MedGen C3280168, MONDO:0013634, OMIM 614213.
Intellectual disability, autosomal dominant 9 (NESCAVS). Also called: NESCAV SYNDROME; KIF1A-Related Neurodevelopmental Disorder. Identifiers: Orphanet 662367, MedGen C5393830, MONDO:0013656, OMIM 614255.

Submissions (2):

Labcorp Genetics (formerly Invitae), Labcorp
Classification: Likely pathogenic for Hereditary spastic paraplegia 30; Neuropathy, hereditary sensory, type 2C; Intellectual disability, autosomal dominant 9. Last evaluated: 2022-03-08. Review status: criteria provided, single submitter. Criteria: Invitae Variant Classification Sherloc (09022015). Collection method: clinical testing. Allele origin: germline.
Comment: This sequence change replaces alanine, which is neutral and non-polar, with serine, which is neutral and polar, at codon 250 of the KIF1A protein (p.Ala250Ser). This variant is not present in population databases (gnomAD no frequency). This missense change has been observed in individual(s) with clinical features of autosomal dominant hereditary spastic paraplegia (Invitae). ClinVar contains an entry for this variant (Variation ID: 1023002). Advanced modeling of protein sequence and biophysical properties (such as structural, functional, and spatial information, amino acid conservation, physicochemical variation, residue mobility, and thermodynamic stability) performed at Invitae indicates that this missense variant is expected to disrupt KIF1A protein function. This variant disrupts the p.Ala250 amino acid residue in KIF1A. Other variant(s) that disrupt this residue have been determined to be pathogenic (Invitae). This suggests that this residue is clinically significant, and that variants that disrupt this residue are likely to be disease-causing. In summary, the currently available evidence indicates that the variant is pathogenic, but additional data are needed to prove that conclusively. Therefore, this variant has been classified as Likely Pathogenic.

Blueprint Genetics
Classification: Uncertain significance. Last evaluated: 2019-12-02. Review status: criteria provided, single submitter. Criteria: ACMG Guidelines, 2015. Collection method: clinical testing. Allele origin: germline.